The following is an entry in ClinVar:

NM_000402.4(G6PD):c.466A>G (p.Asn156Asp)

Gene: G6PD (glucose-6-phosphate dehydrogenase; minus strand). Cytogenetic location: Xq28.
Variant type: single nucleotide variant.
Coding change: c.466A>G on transcript NM_000402.4; coding-DNA position 466, A replaced by G.
Protein change: p.Asn156Asp; replaces asparagine 156 with aspartic acid.
Molecular consequence: missense variant.
Genome position (GRCh38, 1-based): chrX:154,535,277, T>C on the plus strand (A>G on the coding strand, the complement: G6PD is on the minus strand). VCF-style: chrX-154535277-T-C. GRCh37 (hg19) VCF-style: chrX-153763492-T-C.
Other names: G6PD, ASN126ASP; G6PD A; G6PD A+; c.376A>G, p.Asn126Asp (NM_001042351.3, NM_001360016.2); short protein forms N126D, N156D.
Identifiers: ClinVar variation 100055 (VCV000100055.86), dbSNP rs1050829, ClinGen allele CA120939.
Genomic context (GRCh38, chrX:154,535,277, plus strand): 5'-CGGTCGGGGGCAAGGCCAGGTAGAAGAGGCGGTTGGCCTGTGACCCCAGGTGGAGGGCAT[T>C]CATGTGGCTGTTGAGGCGCTGGTAGGAGGCTGCATCATCGTACTGGCCAGCCACATAGGA-3'

ClinVar aggregate classification (germline): Conflicting classifications of pathogenicity. Review status: criteria provided, conflicting classifications (1 of 4 stars). 34 submissions from 33 submitters: Pathogenic (13); Likely pathogenic (4); Uncertain significance (5); Benign (2); Likely benign (3). 7 of the submissions do not count toward it. Last evaluated 2026-08-06.

Conditions:
G6PD deficiency. Also called: G6PD A-. Identifiers: MedGen C2939465, MONDO:0005775.
Anemia, nonspherocytic hemolytic, due to G6PD deficiency (CNSHA1). Also called: Hemolytic anemia due to G6PD deficiency; ANEMIA, CONGENITAL, NONSPHEROCYTIC HEMOLYTIC, 1; Class I glucose-6-phosphate dehydrogenase deficiency; Favism, susceptibility to. Identifiers: Orphanet 466026, MedGen C2720289, MONDO:0010480, OMIM 300908.
Inborn genetic diseases. Identifiers: MedGen C0950123, MeSH D030342.
Malaria, susceptibility to. Identifiers: Orphanet 673, MedGen C1970028, MONDO:0021024, OMIM 611162.
Glomerulopathy with fibronectin deposits 2 (GFND2). Identifiers: Orphanet 84090, MedGen C1866075, MONDO:0011165, OMIM 601894.
G6PD A+.

Allele frequency attached by ClinVar (database versions not stated): 1000 Genomes Project 0.09457; 1000 Genomes Project 30x 0.09823; gnomAD 0.08672; TOPMed 0.09819.
gnomAD v4.1: 20,668 of 1,210,053 alleles (1.7%); highest among the groups gnomAD compares: African/African-American, 32%; 2,270 homozygotes.

Submissions 1 to 12 of 34:

OLLIN Analises Genomicas, OLLIN
Classification: Pathogenic for Anemia, nonspherocytic hemolytic, due to G6PD deficiency. Last evaluated: 2026-08-06. Review status: criteria provided, single submitter. Criteria: ACMG Guidelines 2015 PMID 25741868. Collection method: clinical testing. Allele origin: germline. Inheritance: X-linked inheritance.
Comment: This missense variant, located in exon 5 (of 13), has been reported in ClinVar (accession VCV001546331.13), in gnomAD with an allele frequency of 1.708%, and in the scientific literature in individuals with G6PD related disorders (PMID: 11852882, 23006493, 22307442, 9674740, 27287612, 263378, 1206491, 10747271, 25201310). In silico analysis is inconclusive regarding the impact of this variant; however, functional studies suggest that it may affect protein function (PMID: 11852882, 23006493, 22307442, 9674740, 27287612, 263378, 1206491, 10747271, 25201310). According to the currently available evidence, this variant has been classified as pathogenic (PS3, PS4).

CeGaT Center for Human Genetics Tuebingen
Classification: Pathogenic. Last evaluated: 2026-06-01. Review status: criteria provided, single submitter. Criteria: CeGaT Center For Human Genetics Tuebingen Variant Classification Criteria Version 2. Collection method: clinical testing. Allele origin: germline. Affected: yes. Observed: 9 variant alleles.
Comment: G6PD: PS3, PS4, PM1, PM5, BP4

Center for Genomic Medicine, Rigshospitalet, Copenhagen University Hospital
Classification: Uncertain significance. Last evaluated: 2025-12-29. Review status: criteria provided, single submitter. Criteria: ACMG Guidelines, 2015. Collection method: clinical testing. Allele origin: germline.

3billion
Classification: Likely pathogenic for Anemia, nonspherocytic hemolytic, due to G6PD deficiency. Last evaluated: 2025-12-24. Review status: criteria provided, single submitter. Criteria: ACMG Guidelines, 2015. Collection method: clinical testing. Allele origin: germline. Affected: yes.
Comment: The variant is observed in the gnomAD v4.1.0 dataset (total allele frequency: 1.708%). Predicted Consequence/Location: Missense variant. Missense changes are a common disease-causing mechanism. The same nucleotide change resulting in the same amino acid change has been previously reported as pathogenic/likely pathogenic with strong evidence (ClinVar ID: VCV000100055 /PMID: 3393536 /3billion dataset). A different missense change at the same codon (p.Asn126Tyr) has been reported to be associated with G6PD-related disorder (PMID: 12850494). Therefore, this variant is classified as Likely pathogenic according to the recommendation of ACMG/AMP guideline.

Department of Molecular Genetics, Istishari Arab Hospital
Classification: Pathogenic for Anemia, nonspherocytic hemolytic, due to G6PD deficiency. Last evaluated: 2025-12-18. Review status: criteria provided, single submitter. Criteria: ACMG Guidelines, 2015. Collection method: clinical testing. Allele origin: germline. Inheritance: Autosomal recessive inheritance. Affected: yes.
Comment: The G6PD variant c.376A>G, p.Asn126Asp creates a change in the amino acid from Asn to Asp at position 126. This variant was previously reported as disease-causing for Glucose-6-Phosphate Dehydrogenase (G6PD) Deficiency (PMID: 35606495, 31525211, 33636823, and many others). It is classified as pathogenic based on the recommendations of ACMG/AMP/ClinGen SVI guidelines.

Women's Health and Genetics/Laboratory Corporation of America, LabCorp
Classification: Likely benign. Last evaluated: 2025-11-21. Review status: criteria provided, single submitter. Criteria: LabCorp Variant Classification Summary - May 2015. Collection method: clinical testing. Allele origin: germline.
Comment: Variant summary: G6PD c.466A>G (p.Asn156Asp) results in a conservative amino acid change located in the NAD-binding domain (IPR022674) of the encoded protein sequence. Five of five in-silico tools predict a benign effect of the variant on protein function. The variant allele was found at a frequency of 0.026 in 183378 control chromosomes, predominantly at a frequency of 0.32 within the African or African-American subpopulation in the gnomAD database, including 532 homozygous females and 952 hemizygous males. The observed variant frequency within African or African-American control individuals in the gnomAD database is higher than the estimated maximal expected allele frequency for a pathogenic variant in G6PD causing Glucose 6 Phosphate Dehydrogenase Deficiency phenotype (0.29). These findings strongly suggest that the variant is a benign polymorphism found primarily in populations of African or African-American origin. c.466A>G has been reported in the literature in multiple individuals affected with G6PD Deficiency, however in most of these cases as part of a complex allele with another pathogenic variant, such as c.1058T>C (known as G6PD-Betica or G6PD-Betica Selma), c.292G>A (known as G6PD A-), or c.632A>T (known as G6PD-Santamaria) (e.g. Vulliamy_1988, Beutler_1989, Vulliamy_1996, Djigo_2019). These reports do not provide unequivocal conclusions about association of the variant with disease, as the variant was not identified in isolation in affected individuals. Several publications report experimental evidence evaluating an impact on protein function. The variant, c.466A>G, has been reported to have reduced affinity for substrate molecules compared to wild-type (e.g. Ramirez-Nava_2017), but retains approximately 70-85% of wild-type enzyme activity levels (e.g. Vulliamy_1988). The following publications have been ascertained in the context of this evaluation (PMID: 2572288, 3393536, 31525211, 29072585, 8956035, 35606495). ClinVar contains an entry for this variant (Variation ID: 100055). Based on the evidence outlined above, the variant was classified as likely benign.

Genomic Medicine Center of Excellence, King Faisal Specialist Hospital and Research Centre
Classification: Likely pathogenic for Anemia, nonspherocytic hemolytic, due to G6PD deficiency. Last evaluated: 2025-09-10. Review status: criteria provided, single submitter. Criteria: ACMG Guidelines, 2015. Collection method: clinical testing. Allele origin: germline.

ARUP Laboratories, Molecular Genetics and Genomics, ARUP Laboratories
Classification: Likely benign. Last evaluated: 2025-07-22. Review status: criteria provided, single submitter. Criteria: ARUP Molecular Germline Variant Investigation Process 2024. Collection method: clinical testing. Allele origin: germline.
Comment: The G6PD c.376A>G; p.Asn126Asp variant (rs1050829), also known as G6PD A+, has been reported in multiple individuals of African descent (Yoshida 1967, Takizawa 1987). Functional characterization of the G6PD A+ variant indicates mild decrease of enzymatic activity (84 percent of wildtype) (Yoshida 1967, Vulliamy 1988), and is thus considered a class IV variant that generally has no clinical consequences. The variant is listed in ClinVar (Variation ID: 100055), and observed in the Genome Aggregation Database with an overall population frequency of 3.2% (6586/205081 alleles), including 32% in the African population (6025/18923 alleles). Computational analyses are uncertain whether this variant is neutral or deleterious (REVEL: 0.274). Based on the above information, this variant is considered likely benign. References: Takizawa T et al. A single nucleotide base transition is the basis of the common human glucose-6-phosphate dehydrogenase variant A (+). Genomics. 1987; 1(3):228-31. PMID: 3446582. Vulliamy T et al. Diverse point mutations in the human glucose-6-phosphate dehydrogenase gene cause enzyme deficiency and mild or severe hemolytic anemia. Proc Natl Acad Sci U S A. 1988; 85(14):5171-5. PMID: 3393536. Yoshida A et al. Negro variant of glucose-6-phosphate dehydrogenase deficiency (A-) in man. Science. 1967; 155(3758):97-9. PMID: 6015571.

Johns Hopkins Genomics, Johns Hopkins University
Classification: Benign for Glomerulopathy with fibronectin deposits 2. Last evaluated: 2024-12-23. Review status: criteria provided, single submitter. Criteria: ACMG Guidelines, 2015. Collection method: clinical testing. Allele origin: germline.
Comment: This variant is classified as benign (BA1, BS3).

Department of Human Genetics, Hannover Medical School
Classification: Likely benign for Anemia, nonspherocytic hemolytic, due to G6PD deficiency. Last evaluated: 2024-07-29. Review status: criteria provided, single submitter. Criteria: ACMG Guidelines, 2015. Collection method: clinical testing. Allele origin: germline. Affected: yes.

Fulgent Genetics
Classification: Pathogenic for Anemia, nonspherocytic hemolytic, due to G6PD deficiency; Malaria, susceptibility to. Last evaluated: 2024-04-04. Review status: criteria provided, single submitter. Criteria: ACMG Guidelines, 2015. Collection method: clinical testing. Allele origin: germline.

Greenwood Genetic Center Diagnostic Laboratories, Greenwood Genetic Center
Classification: Pathogenic for Anemia, nonspherocytic hemolytic, due to G6PD deficiency. Last evaluated: 2024-02-02. Review status: criteria provided, single submitter. Criteria: ACMG Guidelines, 2015. Collection method: clinical testing. Allele origin: germline. Affected: yes.
Comment: PS3, PS4